The following is an entry in ClinVar:

NM_000883.4(IMPDH1):c.242T>C (p.Leu81Pro)

Gene: IMPDH1 (inosine monophosphate dehydrogenase 1; minus strand). Cytogenetic location: 7q32.1.
Variant type: single nucleotide variant.
Coding change: c.242T>C on transcript NM_000883.4 (MANE Select); coding-DNA position 242, T replaced by C.
Protein change: p.Leu81Pro; replaces leucine 81 with proline.
Molecular consequence: missense variant. On other transcripts: intron variant (2).
Genome position (GRCh38, 1-based): chr7:128,409,301, A>G on the plus strand (T>C on the coding strand, the complement: IMPDH1 is on the minus strand). VCF-style: chr7-128409301-A-G. GRCh37 (hg19) VCF-style: chr7-128049355-A-G.
Other names: c.212T>C, p.Leu71Pro (NM_001102605.2); c.242T>C, p.Leu81Pro (NM_001142576.2); c.146+455T>C (NM_001304521.2, NM_183243.3); short protein forms L71P, L81P.
Identifiers: ClinVar variation 2756638 (VCV002756638.3), dbSNP rs2535810177, ClinGen allele CA369180614.

ClinVar aggregate classification (germline): Uncertain significance (1 of 4 stars; one submission).

Submission:

Labcorp Genetics (formerly Invitae), Labcorp
Classification: Uncertain significance. Last evaluated: 2023-11-19. Review status: criteria provided, single submitter. Criteria: Invitae Variant Classification Sherloc (09022015). Collection method: clinical testing. Allele origin: germline.
Comment: This sequence change replaces leucine, which is neutral and non-polar, with proline, which is neutral and non-polar, at codon 81 of the IMPDH1 protein (p.Leu81Pro). This variant is not present in population databases (gnomAD no frequency). This variant has not been reported in the literature in individuals affected with IMPDH1-related conditions. Algorithms developed to predict the effect of missense changes on protein structure and function output the following: SIFT: "Not Available"; PolyPhen-2: "Benign"; Align-GVGD: "Not Available". The proline amino acid residue is found in multiple mammalian species, which suggests that this missense change does not adversely affect protein function. In summary, the available evidence is currently insufficient to determine the role of this variant in disease. Therefore, it has been classified as a Variant of Uncertain Significance.